The following is an entry in ClinVar:

NM_002430.3(MN1):c.3020C>T (p.Ser1007Leu)

Gene: MN1 (MN1 proto-oncogene, transcriptional regulator; minus strand). Cytogenetic location: 22q12.1.
Variant type: single nucleotide variant.
Coding change: c.3020C>T on transcript NM_002430.3 (MANE Select); coding-DNA position 3020, C replaced by T.
Protein change: p.Ser1007Leu; replaces serine 1007 with leucine.
Molecular consequence: missense variant.
Genome position (GRCh38, 1-based): chr22:27,797,524, G>A on the plus strand (C>T on the coding strand, the complement: MN1 is on the minus strand). VCF-style: chr22-27797524-G-A. GRCh37 (hg19) VCF-style: chr22-28193512-G-A.
Other names: short protein forms S1007L.
Identifiers: ClinVar variation 2580620 (VCV002580620.1), dbSNP rs2517770595, ClinGen allele CA411043701.

ClinVar aggregate classification (germline): Uncertain significance (1 of 4 stars; one submission).

Submission:

GeneDx
Classification: Uncertain significance. Last evaluated: 2023-03-22. Review status: criteria provided, single submitter. Criteria: GeneDx Variant Classification Process June 2021. Collection method: clinical testing. Allele origin: germline. Affected: yes.
Comment: Not observed at significant frequency in large population cohorts (gnomAD); In silico analysis supports that this missense variant has a deleterious effect on protein structure/function; Has not been previously published as pathogenic or benign to our knowledge